The following is an entry in ClinVar:

ClinVar aggregate classification (germline): Likely benign. Review status: criteria provided, multiple submitters, no conflicts (2 of 4 stars). 3 submissions from 3 submitters: Likely benign (2). 1 of the submissions does not count toward it. Last evaluated 2025-03-25.

Conditions:
MACF1-related disorder. Also called: MACF1-related condition.

Allele frequency attached by ClinVar (database versions not stated): TOPMed 0.00012; ExAC 0.00015; ESP Exome Variant Server 0.00015; gnomAD 0.00018; gnomAD exomes 0.00029.
gnomAD v4.1: 438 of 1,613,836 alleles (0.027%); highest among the groups gnomAD compares: Non-Finnish European, 0.035%; no homozygotes.

Submissions (3):

Labcorp Genetics (formerly Invitae), Labcorp
Classification: Likely benign. Last evaluated: 2025-03-25. Review status: criteria provided, single submitter. Criteria: Invitae Variant Classification Sherloc (09022015). Collection method: clinical testing. Allele origin: germline.

Blueprint Genetics
Classification: Likely benign. Last evaluated: 2024-10-30. Review status: criteria provided, single submitter. Criteria: ACMG Guidelines, 2015. Collection method: clinical testing. Allele origin: germline.

PreventionGenetics, part of Exact Sciences
Classification: Likely benign for MACF1-related condition. Last evaluated: 2019-03-28. Review status: no assertion criteria provided. Collection method: clinical testing. Allele origin: germline. Not counted in ClinVar's aggregate classification.
Comment: This variant is classified as likely benign based on ACMG/AMP sequence variant interpretation guidelines (Richards et al. 2015 PMID: 25741868, with internal and published modifications).

NM_001394062.1(MACF1):c.20463C>T (p.Val6821=)

Gene: MACF1 (microtubule actin crosslinking factor 1; plus strand). Cytogenetic location: 1p34.3.
Variant type: single nucleotide variant.
Coding change: c.20463C>T on transcript NM_001394062.1 (MANE Select); coding-DNA position 20463, C replaced by T.
Protein change: p.Val6821=; no amino-acid change (valine 6821 retained).
Molecular consequence: synonymous variant.
Genome position (GRCh38, 1-based): chr1:39,452,200, C>T. VCF-style: chr1-39452200-C-T. GRCh37 (hg19) VCF-style: chr1-39917872-C-T.
Other names: c.8541C>T, p.Val2847= (NM_001397473.1); c.14286C>T, p.Val4762= (NM_012090.5).
Identifiers: ClinVar variation 3058443 (VCV003058443.4), dbSNP rs143354848, ClinGen allele CA784393.